The following is an entry in ClinVar:

ClinVar aggregate classification (germline): Uncertain significance. Review status: criteria provided, multiple submitters, no conflicts (2 of 4 stars). 4 submissions from 4 submitters: Uncertain significance (3). 1 of the submissions does not count toward it. Last evaluated 2025-12-10.

Conditions:
Bloom syndrome (BLM). Also called: Bloom-Torre-Machacek syndrome. Identifiers: Orphanet 125, MedGen C0005859, MONDO:0008876, OMIM 210900.
Hereditary cancer-predisposing syndrome. Also called: Tumor predisposition; Hereditary neoplastic syndrome; Hereditary Cancer Syndrome; Neoplastic Syndromes, Hereditary. Identifiers: Orphanet 140162, MedGen C0027672, MeSH D009386, MONDO:0015356.

Allele frequency attached by ClinVar (database versions not stated): gnomAD exomes 0.00001.
gnomAD v4.1: 8 of 1,600,894 alleles (0.0005%); highest among the groups gnomAD compares: East Asian, 0.018%; no homozygotes.

Submissions (4):

Labcorp Genetics (formerly Invitae), Labcorp
Classification: Uncertain significance for Bloom syndrome. Last evaluated: 2025-12-10. Review status: criteria provided, single submitter. Criteria: Invitae Variant Classification Sherloc (09022015). Collection method: clinical testing. Allele origin: germline.
Comment: This sequence change replaces aspartic acid, which is acidic and polar, with valine, which is neutral and non-polar, at codon 1010 of the BLM protein (p.Asp1010Val). This variant is not present in population databases (gnomAD no frequency). This variant has not been reported in the literature in individuals affected with BLM-related conditions. ClinVar contains an entry for this variant (Variation ID: 576518). Invitae Evidence Modeling of protein sequence and biophysical properties (such as structural, functional, and spatial information, amino acid conservation, physicochemical variation, residue mobility, and thermodynamic stability) has been performed for this missense variant. However, the output from this modeling did not meet the statistical confidence thresholds required to predict the impact of this variant on BLM protein function. In summary, the available evidence is currently insufficient to determine the role of this variant in disease. Therefore, it has been classified as a Variant of Uncertain Significance.

Ambry Genetics
Classification: Uncertain significance for Hereditary cancer-predisposing syndrome. Last evaluated: 2025-05-05. Review status: criteria provided, single submitter. Criteria: Ambry Variant Classification Scheme 2023. Collection method: clinical testing. Allele origin: germline.
Comment: The p.D1010V variant (also known as c.3029A>T), located in coding exon 15 of the BLM gene, results from an A to T substitution at nucleotide position 3029. The aspartic acid at codon 1010 is replaced by valine, an amino acid with highly dissimilar properties. This amino acid position is well conserved in available vertebrate species. In addition, the in silico prediction for this alteration is inconclusive. Since supporting evidence is limited at this time, the clinical significance of this alteration remains unclear.

GeneDx
Classification: Uncertain significance. Last evaluated: 2022-01-19. Review status: criteria provided, single submitter. Criteria: GeneDx Variant Classification Process June 2021. Collection method: clinical testing. Allele origin: germline. Affected: yes.
Comment: Not observed at significant frequency in large population cohorts (gnomAD); In silico analysis supports that this missense variant has a deleterious effect on protein structure/function; Has not been previously published as pathogenic or benign to our knowledge

Natera, Inc.
Classification: Uncertain significance for Bloom syndrome. Last evaluated: 2018-05-12. Review status: no assertion criteria provided. Collection method: clinical testing. Allele origin: germline. Not counted in ClinVar's aggregate classification.

NM_000057.4(BLM):c.3029A>T (p.Asp1010Val)

Gene: BLM (BLM RecQ like helicase; plus strand). Cytogenetic location: 15q26.1.
Variant type: single nucleotide variant.
Coding change: c.3029A>T on transcript NM_000057.4 (MANE Select); coding-DNA position 3029, A replaced by T.
Protein change: p.Asp1010Val; replaces aspartic acid 1010 with valine.
Molecular consequence: missense variant.
Genome position (GRCh38, 1-based): chr15:90,794,176, A>T. VCF-style: chr15-90794176-A-T. GRCh37 (hg19) VCF-style: chr15-91337406-A-T.
Other names: c.3029A>T, p.Asp1010Val (NM_001287246.2, NM_001287247.2); c.1904A>T, p.Asp635Val (NM_001287248.2); short protein forms D1010V, D635V.
Identifiers: ClinVar variation 576518 (VCV000576518.19), dbSNP rs1459742200, ClinGen allele CA393846671.
Genomic context (GRCh38, chr15:90,794,176, plus strand): 5'-CTCTATTTTTCCCCTATAAGTATGTCTTACTATAGTCTTCATCTCTTTTAGTGGAAAAAG[A>T]TGGAAACCATCATACAAGAGAAACTCACTTCAATAATTTGTATAGCATGGTACATTACTG-3'
Protein context (NP_000048.1, residues 1000-1020): RLKRLIMMEK[Asp1010Val]GNHHTRETHF